The following is an entry in ClinVar:

NM_001190737.2(NFIB):c.*189A>T

Gene: NFIB (nuclear factor I B; minus strand). Cytogenetic location: 9p23.
Variant type: single nucleotide variant.
Coding change: c.*189A>T on transcript NM_001190737.2 (MANE Select); 189 bases downstream of the stop codon, A replaced by T.
Molecular consequence: 3 prime UTR variant. On other transcripts: non-coding transcript variant (4).
Genome position (GRCh38, 1-based): chr9:14,088,120, T>A on the plus strand (A>T on the coding strand, the complement: NFIB is on the minus strand). VCF-style: chr9-14088120-T-A. GRCh37 (hg19) VCF-style: chr9-14088119-T-A.
Other names: c.*189A>T (NM_001369480.1, NM_005596.3, NM_001369468.1 and 10 more transcripts); c.*77A>T (NM_001369466.1, NM_001369467.1, NM_001369469.1 and 9 more transcripts); c.*121A>T (NM_001369463.1).
Identifiers: ClinVar variation 2659074 (VCV002659074.24), dbSNP rs548618850, ClinGen allele CA190121746.

ClinVar aggregate classification (germline): Likely benign (1 of 4 stars; one submission).

Allele frequency attached by ClinVar (database versions not stated): 1000 Genomes Project 30x 0.00031; 1000 Genomes Project 0.00040; TOPMed 0.00097; gnomAD 0.00099; gnomAD exomes 0.00114.
gnomAD v4.1: 1,429 of 1,281,124 alleles (0.11%); highest among the groups gnomAD compares: Non-Finnish European, 0.12%; no homozygotes.

Submission:

CeGaT Center for Human Genetics Tuebingen
Classification: Likely benign. Last evaluated: 2024-07-01. Review status: criteria provided, single submitter. Criteria: CeGaT Center For Human Genetics Tuebingen Variant Classification Criteria Version 2. Collection method: clinical testing. Allele origin: germline. Affected: yes. Observed: 4 variant alleles.
Comment: NFIB: BS1